The following is an entry in ClinVar:

NM_006236.3(POU3F3):c.398_407del (p.Pro133fs)

Gene: POU3F3 (POU class 3 homeobox 3; plus strand). Cytogenetic location: 2q12.1.
Variant type: Deletion.
Coding change: c.398_407del on transcript NM_006236.3 (MANE Select); coding-DNA positions 398 to 407, 10 bases deleted (CCCAGCAGCC; older notation c.398_407delCCCAGCAGCC).
Protein change: p.Pro133fs; shifts the reading frame from proline 133.
Molecular consequence: frameshift variant.
Genome position (GRCh38, 1-based): chr2:104,855,908-104,855,917, CCCAGCAGCC deleted; deleting any 10 consecutive bases within chr2:104,855,902-104,855,917 gives the same sequence; the c. name uses the placement nearest the transcript's 3' end. VCF-style (leftmost placement, unchanged base first): chr2-104855901-GGCAGCCCCCA-G. GRCh37 (hg19) VCF-style: chr2-105472359-GGCAGCCCCCA-G.
Other names: short protein forms P133fs.
Identifiers: ClinVar variation 807662 (VCV000807662.4), dbSNP rs1573320043, ClinGen allele CA915944096.

ClinVar aggregate classification (germline): Pathogenic. Review status: criteria provided, single submitter (1 of 4 stars). 2 submissions from 2 submitters: Pathogenic (1). 1 of the submissions does not count toward it. Last evaluated 2019-12-13.

Conditions:
Snijders blok-fisher syndrome. Identifiers: Orphanet 656135, MedGen C5231424, MONDO:0032830, OMIM 618604.

Submissions (2):

Institute of Human Genetics Munich, TUM University Hospital
Classification: Pathogenic for Snijders blok-fisher syndrome. Last evaluated: 2019-12-13. Review status: criteria provided, single submitter. Criteria: Classification criteria August 2017. Collection method: clinical testing. Allele origin: de novo. Inheritance: Autosomal dominant inheritance. Affected: yes. Observed: 1 heterozygote.

Solve-RD Consortium
Classification: Likely pathogenic for Snijders blok-fisher syndrome. Last evaluated: 2022-06-01. Review status: no assertion criteria provided. Collection method: provider interpretation. Allele origin: inherited. Affected: yes. Not counted in ClinVar's aggregate classification.
Comment: Variant confirmed as disease-causing by referring clinical team

Variant identified during reanalysis of unsolved cases by the Solve-RD project. The Solve-RD project has received funding from the European Union’s Horizon 2020 research and innovation programme under grant agreement No 779257.

Literature cited by the submitters: PubMed 39825153 (cited by Solve-RD Consortium).